The following is an entry in ClinVar:

ClinVar aggregate classification (germline): Uncertain significance (1 of 4 stars; one submission).

Conditions:
Lysinuric protein intolerance (LPI). Identifiers: Orphanet 470, MedGen C0268647, MONDO:0009109, OMIM 222700.

Allele frequency attached by ClinVar (database versions not stated): ExAC 0.00001.
gnomAD v4.1: 11 of 1,613,958 alleles (0.00068%); highest among the groups gnomAD compares: African/African-American, 0.0027%; no homozygotes.

Submission:

Labcorp Genetics (formerly Invitae), Labcorp
Classification: Uncertain significance for Lysinuric protein intolerance. Last evaluated: 2022-05-30. Review status: criteria provided, single submitter. Criteria: Invitae Variant Classification Sherloc (09022015). Collection method: clinical testing. Allele origin: germline.
Comment: This sequence change replaces arginine, which is basic and polar, with tryptophan, which is neutral and slightly polar, at codon 355 of the SLC7A7 protein (p.Arg355Trp). This variant is present in population databases (rs761778207, gnomAD 0.0009%). This variant has not been reported in the literature in individuals affected with SLC7A7-related conditions. Algorithms developed to predict the effect of missense changes on protein structure and function are either unavailable or do not agree on the potential impact of this missense change (SIFT: "Deleterious"; PolyPhen-2: "Probably Damaging"; Align-GVGD: "Class C0"). Algorithms developed to predict the effect of sequence changes on RNA splicing suggest that this variant may disrupt the consensus splice site. In summary, the available evidence is currently insufficient to determine the role of this variant in disease. Therefore, it has been classified as a Variant of Uncertain Significance.

NM_003982.4(SLC7A7):c.1063C>T (p.Arg355Trp)

Gene: SLC7A7 (solute carrier family 7 member 7; minus strand). Cytogenetic location: 14q11.2.
Variant type: single nucleotide variant.
Coding change: c.1063C>T on transcript NM_003982.4 (MANE Select); coding-DNA position 1063, C replaced by T.
Protein change: p.Arg355Trp; replaces arginine 355 with tryptophan.
Molecular consequence: missense variant.
Genome position (GRCh38, 1-based): chr14:22,775,476, G>A on the plus strand (C>T on the coding strand, the complement: SLC7A7 is on the minus strand). VCF-style: chr14-22775476-G-A. GRCh37 (hg19) VCF-style: chr14-23244685-G-A.
Other names: c.1063C>T, p.Arg355Trp (NM_001126105.3, NM_001126106.4); short protein forms R355W.
Identifiers: ClinVar variation 2077561 (VCV002077561.1), dbSNP rs761778207, ClinGen allele CA7104500.